The following is an entry in ClinVar:

NM_031478.6(TLCD3B):c.348C>T (p.Gly116=)

Genes: FIMP1 (fertilization-influencing membrane protein 1; plus strand), TLCD3B (TLC domain containing 3B; minus strand). Cytogenetic location: 16p11.2.
Variant type: single nucleotide variant.
Coding change: c.348C>T on transcript NM_031478.6 (MANE Select); coding-DNA position 348, C replaced by T.
Protein change: p.Gly116=; no amino-acid change (glycine 116 retained).
Molecular consequence: synonymous variant. On other transcripts: intron variant (1).
Genome position (GRCh38, 1-based): chr16:30,026,705, G>A on the plus strand (C>T on the coding strand, the complement: TLCD3B is on the minus strand). VCF-style: chr16-30026705-G-A. GRCh37 (hg19) VCF-style: chr16-30038026-G-A.
Other names: NC_000016.9:g.30038026G>A; c.198C>T, p.Gly66= (NM_001318504.2); c.606C>T, p.Gly202= (NM_001352173.2); c.312-383G>A (NM_001353379.2).
Identifiers: ClinVar variation 4083767 (VCV004083767.9).

ClinVar aggregate classification (germline): Likely benign (1 of 4 stars; one submission).

gnomAD v4.1: 4,348 of 1,614,012 alleles (0.27%); highest among the groups gnomAD compares: Non-Finnish European, 0.34%; 6 homozygotes.

Submissions (2):

CeGaT Center for Human Genetics Tuebingen
Classification: Likely benign. Last evaluated: 2025-07-01. Review status: criteria provided, single submitter. Criteria: CeGaT Center For Human Genetics Tuebingen Variant Classification Criteria Version 2. Collection method: clinical testing. Allele origin: germline. Affected: yes. Observed: 1 variant allele.
Comment: TLCD3B: BP4, BP7

Dr. Peter K. Rogan Lab, Western University
No classification provided (evidence only). Condition: Malignant tumor of urinary bladder. Review status: no classification provided. Collection method: in vitro. Allele origin: not applicable. Functional consequence: retained intron. Not counted in ClinVar's aggregate classification.